The following is an entry in ClinVar:

ClinVar aggregate classification (germline): Uncertain significance (1 of 4 stars; one submission).

Submission:

GeneDx
Classification: Uncertain significance. Last evaluated: 2024-12-02. Review status: criteria provided, single submitter. Criteria: GeneDx Variant Classification Process June 2021. Collection method: clinical testing. Allele origin: germline. Affected: yes.
Comment: Not observed at significant frequency in large population cohorts (gnomAD); In silico analysis indicates that this missense variant does not alter protein structure/function; Has not been previously published as pathogenic or benign to our knowledge

NM_016356.5(DCDC2):c.860A>T (p.Lys287Ile)

Gene: DCDC2 (doublecortin domain containing 2; minus strand). Cytogenetic location: 6p22.3.
Variant type: single nucleotide variant.
Coding change: c.860A>T on transcript NM_016356.5 (MANE Select); coding-DNA position 860, A replaced by T.
Protein change: p.Lys287Ile; replaces lysine 287 with isoleucine.
Molecular consequence: missense variant.
Genome position (GRCh38, 1-based): chr6:24,278,111, T>A on the plus strand (A>T on the coding strand, the complement: DCDC2 is on the minus strand). VCF-style: chr6-24278111-T-A. GRCh37 (hg19) VCF-style: chr6-24278339-T-A.
Other names: c.860A>T, p.Lys287Ile (NM_001195610.2); short protein forms K287I.
Identifiers: ClinVar variation 3900910 (VCV003900910.1).